The following is an entry in ClinVar:

NM_007294.4(BRCA1):c.4405C>A (p.Pro1469Thr)

Gene: BRCA1 (BRCA1 DNA repair associated; minus strand). Cytogenetic location: 17q21.31.
Variant type: single nucleotide variant.
Coding change: c.4405C>A on transcript NM_007294.4 (MANE Select); coding-DNA position 4405, C replaced by A.
Protein change: p.Pro1469Thr; replaces proline 1469 with threonine.
Molecular consequence: missense variant. On other transcripts: non-coding transcript variant (1).
Genome position (GRCh38, 1-based): chr17:43,076,567, G>T on the plus strand (C>A on the coding strand, the complement: BRCA1 is on the minus strand). VCF-style: chr17-43076567-G-T. GRCh37 (hg19) VCF-style: chr17-41228584-G-T.
Other names: c.4402C>A, p.Pro1468Thr (NM_001407624.1, NM_001407625.1, NM_001407610.1 and 17 more transcripts); c.4399C>A, p.Pro1467Thr (NM_001407635.1, NM_001407636.1, NM_001407637.1 and 14 more transcripts); c.4321C>A, p.Pro1441Thr (NM_001407660.1, NM_001407661.1, NM_001407659.1 and 2 more transcripts); c.4282C>A, p.Pro1428Thr (NM_001407666.1, NM_001407664.1, NM_001407665.1 and 6 more transcripts); c.4279C>A, p.Pro1427Thr (NM_001407676.1, NM_001407677.1, NM_001407678.1 and 11 more transcripts); c.4324C>A, p.Pro1442Thr (NM_001407657.1, NM_001407658.1, NM_001407656.1); c.4276C>A, p.Pro1426Thr (NM_001407681.1, NM_001407686.1, NM_001407687.1 and 6 more transcripts); c.4396C>A, p.Pro1466Thr (NM_001407644.1, NM_001407645.1); and 68 more; short protein forms P365T, P1422T, P1469T, P1490T, P1381T, P1399T, P1402T, P1426T.
Identifiers: ClinVar variation 664253 (VCV000664253.14), dbSNP rs80356960, ClinGen allele CA10592725.

ClinVar aggregate classification (germline): Uncertain significance. Review status: criteria provided, multiple submitters, no conflicts (2 of 4 stars). 4 submissions from 4 submitters: Uncertain significance (4). Last evaluated 2025-09-10.

Conditions:
Hereditary cancer-predisposing syndrome. Also called: Neoplastic Syndromes, Hereditary; Hereditary neoplastic syndrome; Tumor predisposition; Hereditary Cancer Syndrome. Identifiers: Orphanet 140162, MedGen C0027672, MeSH D009386, MONDO:0015356.
Hereditary breast ovarian cancer syndrome. Also called: Hereditary breast and/or ovarian cancer syndrome; Hereditary breast and ovarian cancer syndrome (HBOC); Breast and ovarian cancer; Hereditary breast and ovarian cancer syndrome; BRCA1- and BRCA2-Associated Hereditary Breast and Ovarian Cancer; Hereditary breast and ovarian cancer. Identifiers: Orphanet 145, MedGen C0677776, MeSH D061325, MONDO:0003582. Disease mechanism: loss of function.
Breast-ovarian cancer, familial, susceptibility to, 2 (BROVCA2). Also called: BRCA2 Hereditary Breast and Ovarian Cancer. Identifiers: Orphanet 145, MedGen C2675520, MONDO:0012933, OMIM 612555. Disease mechanism: loss of function.

Submissions (4):

Ambry Genetics
Classification: Uncertain significance for Hereditary cancer-predisposing syndrome. Last evaluated: 2025-09-10. Review status: criteria provided, single submitter. Criteria: Ambry Variant Classification Scheme 2023. Collection method: clinical testing. Allele origin: germline.
Comment: The p.P1469T variant (also known as c.4405C>A), located in coding exon 12 of the BRCA1 gene, results from a C to A substitution at nucleotide position 4405. The proline at codon 1469 is replaced by threonine, an amino acid with highly similar properties. This amino acid position is conserved. In addition, the in silico prediction for this alteration is inconclusive. Based on the available evidence, the clinical significance of this variant remains unclear.

Sema4
Classification: Uncertain significance for Hereditary cancer-predisposing syndrome. Last evaluated: 2022-02-05. Review status: criteria provided, single submitter. Criteria: Sema4 Curation Guidelines. Collection method: curation. Allele origin: germline.
Comment: The BRCA1 c.4405C>A (p.P1469T) variant has not been reported in the literature to our knowledge. This variant is not reported in the population database Genome Aggregation Database (PMID: 32461654). The variant has been reported in ClinVar (Variation ID: 664253). Functional studies have not been performed, and in silico predictions of the variant's effect on protein function are inconclusive. The evidence is insufficient to meet ACMG/AMP criteria for classifying the variant as benign or pathogenic. Thus, the clinical significance of this variant is currently uncertain.

Labcorp Genetics (formerly Invitae), Labcorp
Classification: Uncertain significance for Hereditary breast ovarian cancer syndrome. Last evaluated: 2018-10-16. Review status: criteria provided, single submitter. Criteria: Invitae Variant Classification Sherloc (09022015). Collection method: clinical testing. Allele origin: germline.
Comment: This sequence change replaces proline with threonine at codon 1469 of the BRCA1 protein (p.Pro1469Thr). The proline residue is moderately conserved and there is a small physicochemical difference between proline and threonine. This variant is not present in population databases (ExAC no frequency). This variant has not been reported in the literature in individuals with BRCA1-related disease. Algorithms developed to predict the effect of missense changes on protein structure and function output the following: SIFT: "Tolerated"; PolyPhen-2: "Benign"; Align-GVGD: "Class C0". The threonine amino acid residue is found in multiple mammalian species, suggesting that this missense change does not adversely affect protein function. These predictions have not been confirmed by published functional studies and their clinical significance is uncertain. In summary, the available evidence is currently insufficient to determine the role of this variant in disease. Therefore, it has been classified as a Variant of Uncertain Significance.

Liquid Biopsy and Cancer Interception Group, Pfizer-University of Granada-Junta de Andalucía Centre for Genomics and Oncological Research
Classification: Uncertain significance for Breast-ovarian cancer, familial, susceptibility to, 2. Review status: criteria provided, single submitter. Criteria: ACMG Guidelines, 2015. Collection method: clinical testing. Allele origin: germline. Affected: yes. Observed: 1 variant allele.